The following is an entry in ClinVar:

NM_006642.5(SDCCAG8):c.741-149G>A

Gene: SDCCAG8 (SHH signaling and ciliogenesis regulator SDCCAG8; plus strand). Cytogenetic location: 1q43.
Variant type: single nucleotide variant.
Coding change: c.741-149G>A on transcript NM_006642.5 (MANE Select); 149 bases into the intron before coding-DNA position 741, G replaced by A.
Molecular consequence: intron variant. On other transcripts: 5 prime UTR variant (3).
Genome position (GRCh38, 1-based): chr1:243,307,840, G>A. VCF-style: chr1-243307840-G-A. GRCh37 (hg19) VCF-style: chr1-243471142-G-A.
Other names: c.-207G>A (NM_001350246.2, NM_001350247.2, NM_001350251.2); c.447-149G>A (NM_001350249.2); c.837-149G>A (NM_001350248.2).
Identifiers: ClinVar variation 3040575 (VCV003040575.2), dbSNP rs368541257, ClinGen allele CA40432481.

ClinVar aggregate classification (germline): Likely benign (0 of 4 stars; one submission).

Conditions:
SDCCAG8-related disorder. Also called: SDCCAG8-related condition; SDCCAG8-Related Disorders.

Allele frequency attached by ClinVar (database versions not stated): gnomAD exomes 0.00004; gnomAD 0.00005; TOPMed 0.00012.
gnomAD v4.1: 102 of 1,481,950 alleles (0.0069%); highest among the groups gnomAD compares: East Asian, 0.027%; no homozygotes.

Submission:

PreventionGenetics, part of Exact Sciences
Classification: Likely benign for SDCCAG8-related condition. Last evaluated: 2023-09-21. Review status: no assertion criteria provided. Collection method: clinical testing. Allele origin: germline.
Comment: This variant is classified as likely benign based on ACMG/AMP sequence variant interpretation guidelines (Richards et al. 2015 PMID: 25741868, with internal and published modifications).